The following is an entry in ClinVar:

NM_002185.5(IL7R):c.271_280dup (p.Ile94fs)

Gene: IL7R (interleukin 7 receptor; plus strand). Cytogenetic location: 5p13.2.
Variant type: Duplication.
Coding change: c.271_280dup on transcript NM_002185.5 (MANE Select); coding-DNA positions 271 to 280, 10 bases duplicated (ATATATTTCA; older notation c.271_280dupATATATTTCA).
Protein change: p.Ile94fs; shifts the reading frame from isoleucine 94.
Molecular consequence: frameshift variant. On other transcripts: non-coding transcript variant (1).
Genome position (GRCh38, 1-based): chr5:35,867,355-35,867,364, ATATATTTCA duplicated. VCF-style (leftmost placement, unchanged base first): chr5-35867354-G-GATATATTTCA. GRCh37 (hg19) VCF-style: chr5-35867456-G-GATATATTTCA.
Other names: short protein forms I94fs.
Identifiers: ClinVar variation 36391 (VCV000036391.6), dbSNP rs193922640, ClinGen allele CA214042.

ClinVar aggregate classification (germline): Pathogenic/Likely pathogenic. Review status: criteria provided, multiple submitters, no conflicts (2 of 4 stars). 2 submissions from 2 submitters: Pathogenic (1); Likely pathogenic (1). Last evaluated 2023-09-12.

Conditions:
Severe combined immunodeficiency disease. Also called: Severe Combined Immune Deficiency; Severe combined immunodeficiency. Identifiers: Orphanet 183660, MedGen C0085110, MeSH D016511, MONDO:0015974, HP:0004430. Inheritance: X-Linked or Autosomal recessive.
Immunodeficiency 104. Also called: Severe combined immunodeficiency, autosomal recessive, T cell-negative, B cell-positive, NK cell-positive; Severe Combined Immune Deficiency, Autosomal Recessive, TCell -Negative, B Cell-Positive, NK Cell-Positive, IL7R-Related; IMMUNODEFICIENCY 104, SEVERE COMBINED; SCID, AUTOSOMAL RECESSIVE, T CELL-NEGATIVE, B CELL-POSITIVE, NK CELL-POSITIVE. Identifiers: MedGen C5676890, MONDO:0012163, OMIM 608971.

Submissions (2):

Labcorp Genetics (formerly Invitae), Labcorp
Classification: Pathogenic for Immunodeficiency 104. Last evaluated: 2023-09-12. Review status: criteria provided, single submitter. Criteria: Invitae Variant Classification Sherloc (09022015). Collection method: clinical testing. Allele origin: germline.
Comment: For these reasons, this variant has been classified as Pathogenic. ClinVar contains an entry for this variant (Variation ID: 36391). This variant has not been reported in the literature in individuals affected with IL7R-related conditions. This variant is not present in population databases (gnomAD no frequency). This sequence change creates a premature translational stop signal (p.Ile94Asnfs*38) in the IL7R gene. It is expected to result in an absent or disrupted protein product. Loss-of-function variants in IL7R are known to be pathogenic (PMID: 21664875, 26123418).

Women's Health and Genetics/Laboratory Corporation of America, LabCorp
Classification: Likely pathogenic for SCID. Last evaluated: 2011-08-18. Review status: criteria provided, single submitter. Criteria: LabCorp Variant Classification Summary - May 2015. Collection method: curation, clinical testing. Allele origin: germline. Inheritance: autosomal unknown. Affected: yes.
ClinVar note: Converted during submission from likely pathogenic to Likely pathogenic.

Literature cited by the submitters: PubMed 21664875 (cited by Labcorp Genetics (formerly Invitae), Labcorp); PubMed 26123418 (cited by Labcorp Genetics (formerly Invitae), Labcorp).